The following is an entry in ClinVar:

ClinVar aggregate classification (germline): Uncertain significance. Review status: criteria provided, multiple submitters, no conflicts (2 of 4 stars). 6 submissions from 5 submitters: Uncertain significance (5). 1 of the submissions does not count toward it. Last evaluated 2024-11-05.

Conditions:
Usher syndrome type 2A. Also called: USHER SYNDROME, TYPE IIA; RETINAL DISEASE IN USHER SYNDROME TYPE IIA, MODIFIER OF. Identifiers: Orphanet 231178, Orphanet 886, MedGen C1848634, MONDO:0010169, OMIM 276901.
Retinitis pigmentosa 39 (RP39). Identifiers: Orphanet 791, MedGen C3151138, MONDO:0013436, OMIM 613809.

Allele frequency attached by ClinVar (database versions not stated): ExAC 0.00001; gnomAD exomes 0.00001 and 0.00002; gnomAD 0.00004; TOPMed 0.00006; 1000 Genomes Project 30x 0.00016; 1000 Genomes Project 0.00020.
gnomAD v4.1: 27 of 1,614,028 alleles (0.0017%); highest among the groups gnomAD compares: African/African-American, 0.0053%; no homozygotes.

Submissions (6):

Labcorp Genetics (formerly Invitae), Labcorp
Classification: Uncertain significance. Last evaluated: 2024-11-05. Review status: criteria provided, single submitter. Criteria: Invitae Variant Classification Sherloc (09022015). Collection method: clinical testing. Allele origin: germline.
Comment: This sequence change replaces asparagine, which is neutral and polar, with aspartic acid, which is acidic and polar, at codon 1313 of the USH2A protein (p.Asn1313Asp). This variant is present in population databases (rs540537272, gnomAD 0.004%). This variant has not been reported in the literature in individuals affected with USH2A-related conditions. ClinVar contains an entry for this variant (Variation ID: 972400). Invitae Evidence Modeling of protein sequence and biophysical properties (such as structural, functional, and spatial information, amino acid conservation, physicochemical variation, residue mobility, and thermodynamic stability) indicates that this missense variant is not expected to disrupt USH2A protein function with a negative predictive value of 95%. In summary, the available evidence is currently insufficient to determine the role of this variant in disease. Therefore, it has been classified as a Variant of Uncertain Significance.

Genome-Nilou Lab
Classification: Uncertain significance for Retinitis pigmentosa 39. Last evaluated: 2023-11-04. Review status: criteria provided, single submitter. Criteria: ACMG Guidelines, 2015. Collection method: clinical testing. Allele origin: germline. Affected: no.

Genome-Nilou Lab
Classification: Uncertain significance for Usher syndrome type 2A. Last evaluated: 2023-11-04. Review status: criteria provided, single submitter. Criteria: ACMG Guidelines, 2015. Collection method: clinical testing. Allele origin: germline. Affected: no.

Blueprint Genetics
Classification: Uncertain significance. Last evaluated: 2021-12-03. Review status: criteria provided, single submitter. Criteria: ACMG Guidelines, 2015. Collection method: clinical testing. Allele origin: germline.

Fulgent Genetics
Classification: Uncertain significance for Usher syndrome type 2A; Retinitis pigmentosa 39. Last evaluated: 2021-09-28. Review status: criteria provided, single submitter. Criteria: ACMG Guidelines, 2015. Collection method: clinical testing. Allele origin: unknown.

Natera, Inc.
Classification: Uncertain significance for Usher syndrome type 2A. Last evaluated: 2021-06-09. Review status: no assertion criteria provided. Collection method: clinical testing. Allele origin: germline. Not counted in ClinVar's aggregate classification.

NM_206933.4(USH2A):c.3937A>G (p.Asn1313Asp)

Genes: USH2A (usherin; minus strand), USH2A-AS1 (USH2A antisense RNA 1; plus strand). Cytogenetic location: 1q41.
Variant type: single nucleotide variant.
Coding change: c.3937A>G on transcript NM_206933.4 (MANE Select); coding-DNA position 3937, A replaced by G.
Protein change: p.Asn1313Asp; replaces asparagine 1313 with aspartic acid.
Molecular consequence: missense variant.
Genome position (GRCh38, 1-based): chr1:216,198,459, T>C on the plus strand (A>G on the coding strand, the complement: USH2A is on the minus strand). VCF-style: chr1-216198459-T-C. GRCh37 (hg19) VCF-style: chr1-216371801-T-C.
Other names: c.3937A>G, p.Asn1313Asp (NM_007123.6); short protein forms N1313D.
Identifiers: ClinVar variation 972400 (VCV000972400.8), dbSNP rs540537272, ClinGen allele CA1395867.